The following is an entry in ClinVar:

ClinVar aggregate classification (germline): Uncertain significance. Review status: criteria provided, multiple submitters, no conflicts (2 of 4 stars). 4 submissions from 4 submitters: Uncertain significance (4). Last evaluated 2025-12-05.

Conditions:
Cobalamin C disease. Also called: Methylmalonic aciduria and homocystinuria, Vitamin B12-responsive; Vitamin B12 metabolic defect with combined deficiency of methylmalonyl-CoA mutase and homocysteine:methyltetrahydrofolate methyltransferase; Methylmalonic aciduria with homocystinuria cblC type; methylmalonic aciduria and homocystinuria type cblC; Cobalamin-C methylmalonic acidemia and homocystinuria; Methylmalonic acidemia and homocystinuria cblC type. Identifiers: Orphanet 26, Orphanet 79282, MedGen C1848561, MONDO:0010184, OMIM 277400.
Inborn genetic diseases. Identifiers: MedGen C0950123, MeSH D030342.

Allele frequency attached by ClinVar (database versions not stated): gnomAD 0.00001.
gnomAD v4.1: 1 of 1,614,058 alleles (0.000062%); highest among the groups gnomAD compares: Admixed American, 0.0017%; no homozygotes.

Submissions (4):

Mayo Clinic Laboratories, Mayo Clinic
Classification: Uncertain significance. Last evaluated: 2025-12-05. Review status: criteria provided, single submitter. Criteria: ACMG Guidelines, 2015. Collection method: clinical testing. Allele origin: germline. Observed: 1 variant allele.
Comment: BP4, PM2_supporting

Ambry Genetics
Classification: Uncertain significance for Inborn genetic diseases. Last evaluated: 2025-05-20. Review status: criteria provided, single submitter. Criteria: Ambry Variant Classification Scheme 2023. Collection method: clinical testing. Allele origin: germline.

Fulgent Genetics
Classification: Uncertain significance for Cobalamin C disease. Last evaluated: 2024-01-29. Review status: criteria provided, single submitter. Criteria: ACMG Guidelines, 2015. Collection method: clinical testing. Allele origin: germline.

Labcorp Genetics (formerly Invitae), Labcorp
Classification: Uncertain significance for Cobalamin C disease. Last evaluated: 2021-11-14. Review status: criteria provided, single submitter. Criteria: Invitae Variant Classification Sherloc (09022015). Collection method: clinical testing. Allele origin: germline.
Comment: In summary, the available evidence is currently insufficient to determine the role of this variant in disease. Therefore, it has been classified as a Variant of Uncertain Significance. Advanced modeling of protein sequence and biophysical properties (such as structural, functional, and spatial information, amino acid conservation, physicochemical variation, residue mobility, and thermodynamic stability) performed at Invitae indicates that this missense variant is not expected to disrupt MMACHC protein function. This variant has not been reported in the literature in individuals affected with MMACHC-related conditions. This variant is not present in population databases (gnomAD no frequency). This sequence change replaces glutamic acid, which is acidic and polar, with alanine, which is neutral and non-polar, at codon 13 of the MMACHC protein (p.Glu13Ala).

NM_015506.3(MMACHC):c.38A>C (p.Glu13Ala)

Gene: MMACHC (metabolism of cobalamin associated C; plus strand). Cytogenetic location: 1p34.1.
Variant type: single nucleotide variant.
Coding change: c.38A>C on transcript NM_015506.3 (MANE Select); coding-DNA position 38, A replaced by C.
Protein change: p.Glu13Ala; replaces glutamic acid 13 with alanine.
Molecular consequence: missense variant. On other transcripts: 5 prime UTR variant (1).
Genome position (GRCh38, 1-based): chr1:45,500,370, A>C. VCF-style: chr1-45500370-A-C. GRCh37 (hg19) VCF-style: chr1-45966042-A-C.
Other names: p.Glu13Ala; c.-185A>C (NM_001330540.2); c.38A>C (NM_015506.2); short protein forms E13A.
Identifiers: ClinVar variation 1358074 (VCV001358074.9), dbSNP rs1010232462, ClinGen allele CA21825934.
Genomic context (GRCh38, chr1:45,500,370, plus strand): 5'-AAGCTCAGCGTGTAACGTGCGCTATGGAGCCGAAAGTCGCAGAGCTGAAGCAGAAGATCG[A>C]GGACACGCTATGTCCTTTTGGCTTCGAGGTTTACCCCTTCCAGGTTAGTTTATCCCTCCT-3'
Protein context (NP_056321.2, residues 3-23): PKVAELKQKI[Glu13Ala]DTLCPFGFEV